The following is an entry in ClinVar:

ClinVar aggregate classification (germline): Uncertain significance (1 of 4 stars; one submission).

gnomAD v4.1: 1 of 1,596,968 alleles (0.000063%); no homozygotes.

Submission:

Labcorp Genetics (formerly Invitae), Labcorp
Classification: Uncertain significance. Last evaluated: 2022-10-05. Review status: criteria provided, single submitter. Criteria: Invitae Variant Classification Sherloc (09022015). Collection method: clinical testing. Allele origin: germline.
Comment: In summary, the available evidence is currently insufficient to determine the role of this variant in disease. Therefore, it has been classified as a Variant of Uncertain Significance. Advanced modeling of protein sequence and biophysical properties (such as structural, functional, and spatial information, amino acid conservation, physicochemical variation, residue mobility, and thermodynamic stability) has been performed at Invitae for this missense variant, however the output from this modeling did not meet the statistical confidence thresholds required to predict the impact of this variant on CDH23 protein function. ClinVar contains an entry for this variant (Variation ID: 1474169). This variant has not been reported in the literature in individuals affected with CDH23-related conditions. This variant is not present in population databases (gnomAD no frequency). This sequence change replaces leucine, which is neutral and non-polar, with histidine, which is basic and polar, at codon 2597 of the CDH23 protein (p.Leu2597His).

NM_022124.6(CDH23):c.7790T>A (p.Leu2597His)

Gene: CDH23 (cadherin related 23; plus strand). Cytogenetic location: 10q22.1.
Variant type: single nucleotide variant.
Coding change: c.7790T>A on transcript NM_022124.6 (MANE Select); coding-DNA position 7790, T replaced by A.
Protein change: p.Leu2597His; replaces leucine 2597 with histidine.
Molecular consequence: missense variant.
Genome position (GRCh38, 1-based): chr10:71,803,338, T>A. VCF-style: chr10-71803338-T-A. GRCh37 (hg19) VCF-style: chr10-73563095-T-A.
Other names: c.1070T>A, p.Leu357His (NM_001171933.1, NM_001171934.1); short protein forms L2597H, L357H.
Identifiers: ClinVar variation 1474169 (VCV001474169.8), dbSNP rs1433166571, ClinGen allele CA377161440.
Genomic context (GRCh38, chr10:71,803,338, plus strand): 5'-TCAGTCTGACCGTGGTGGCCACAGATGGTGGAGAGCCCCCACTCTGGGGCACCACCATGC[T>A]CCTGGTGGAGGTCATCGACGTCAATGACAACCGCCCTGTCTTTGTGCGCCCACCCAACGG-3'
Protein context (NP_071407.4, residues 2587-2607): GEPPLWGTTM[Leu2597His]LVEVIDVNDN